The following is an entry in ClinVar:

ClinVar aggregate classification (germline): Uncertain significance (1 of 4 stars; one submission).

Conditions:
Hereditary cancer-predisposing syndrome. Also called: Neoplastic Syndromes, Hereditary; Tumor predisposition; Hereditary neoplastic syndrome; Hereditary Cancer Syndrome. Identifiers: Orphanet 140162, MedGen C0027672, MeSH D009386, MONDO:0015356.

Submission:

Ambry Genetics
Classification: Uncertain significance for Hereditary cancer-predisposing syndrome. Last evaluated: 2026-07-07. Review status: criteria provided, single submitter. Criteria: Ambry Variant Classification Scheme 2023. Collection method: clinical testing. Allele origin: germline.
Comment: The p.T297A variant (also known as c.889A>G), located in coding exon 4 of the PALB2 gene, results from an A to G substitution at nucleotide position 889. The threonine at codon 297 is replaced by alanine, an amino acid with similar properties. This amino acid position is conserved. In addition, this alteration is predicted to be tolerated by in silico analysis. Based on the available evidence, the clinical significance of this variant remains unclear.

NM_024675.4(PALB2):c.889A>G (p.Thr297Ala)

Gene: PALB2 (partner and localizer of BRCA2; minus strand). Cytogenetic location: 16p12.2.
Variant type: single nucleotide variant.
Coding change: c.889A>G on transcript NM_024675.4 (MANE Select); coding-DNA position 889, A replaced by G.
Protein change: p.Thr297Ala; replaces threonine 297 with alanine.
Molecular consequence: missense variant. On other transcripts: intron variant (3).
Genome position (GRCh38, 1-based): chr16:23,635,657, T>C on the plus strand (A>G on the coding strand, the complement: PALB2 is on the minus strand). VCF-style: chr16-23635657-T-C. GRCh37 (hg19) VCF-style: chr16-23646978-T-C.
Other names: c.48+5453A>G (NM_001407314.1); c.-104-5188A>G (NM_001407313.1, NM_001407312.1); c.829A>G, p.Thr277Ala (NM_001407296.1); c.889A>G, p.Thr297Ala (NM_001407297.1, NM_001407298.1, NM_001407299.1 and 3 more transcripts); c.4A>G, p.Thr2Ala (NM_001407304.1, NM_001407305.1, NM_001407306.1 and 5 more transcripts); short protein forms T297A, T277A, T2A.
Identifiers: ClinVar variation 5026137 (VCV005026137.1).